The following is an entry in ClinVar:

NM_198239.2(CCN6):c.1013A>T (p.Gln338Leu)

Gene: CCN6 (cellular communication network factor 6; plus strand). Cytogenetic location: 6q21.
Variant type: single nucleotide variant.
Coding change: c.1013A>T on transcript NM_198239.2 (MANE Select); coding-DNA position 1013, A replaced by T.
Protein change: p.Gln338Leu; replaces glutamine 338 with leucine.
Molecular consequence: missense variant. On other transcripts: non-coding transcript variant (2).
Genome position (GRCh38, 1-based): chr6:112,069,568, A>T. VCF-style: chr6-112069568-A-T. GRCh37 (hg19) VCF-style: chr6-112390771-A-T.
Other names: c.1013A>T, p.Gln338Leu (NM_003880.4); short protein forms Q338L.
Identifiers: ClinVar variation 1704535 (VCV001704535.3), dbSNP rs587640965, ClinGen allele CA3964141.

ClinVar aggregate classification (germline): Uncertain significance (1 of 4 stars; one submission).

Allele frequency attached by ClinVar (database versions not stated): gnomAD 0.00001; TOPMed 0.00001; gnomAD exomes 0.00002; ExAC 0.00007; 1000 Genomes Project 30x 0.00016; 1000 Genomes Project 0.00020.
gnomAD v4.1: 36 of 1,613,772 alleles (0.0022%); highest among the groups gnomAD compares: South Asian, 0.037%; no homozygotes.

Submission:

Women's Health and Genetics/Laboratory Corporation of America, LabCorp
Classification: Uncertain significance. Last evaluated: 2024-03-18. Review status: criteria provided, single submitter. Criteria: LabCorp Variant Classification Summary - May 2015. Collection method: clinical testing. Allele origin: germline.
Comment: Variant summary: CCN6 c.1013A>T (p.Gln338Leu) results in a non-conservative amino acid change located in the Cystine knot, C-terminal domain (IPR006207) of the encoded protein sequence. Four of five in-silico tools predict a damaging effect of the variant on protein function. The variant was absent in 251050 control chromosomes. The available data on variant occurrences in the general population are insufficient to allow any conclusion about variant significance. c.1013A>T has been reported in the literature in individuals affected with Progressive Pseudorheumatoid Dysplasia (Nakamura_2007). These report(s) do not provide unequivocal conclusions about association of the variant with Progressive Pseudorheumatoid Dysplasia. At least one publication reports experimental evidence evaluating an impact on protein function, however, does not allow convincing conclusions about the variant effect. The following publication have been ascertained in the context of this evaluation (PMID: 17823661). ClinVar contains an entry for this variant (Variation ID: 1704535). Based on the evidence outlined above, the variant was classified as uncertain significance.

Literature cited by the submitters: PubMed 17823661.